The following is an entry in ClinVar:

NM_000548.5(TSC2):c.2097+5G>T

Gene: TSC2 (TSC complex subunit 2; plus strand). Cytogenetic location: 16p13.3.
Variant type: single nucleotide variant.
Coding change: c.2097+5G>T on transcript NM_000548.5 (MANE Select); 5 bases into the intron after coding-DNA position 2097, G replaced by T.
Molecular consequence: intron variant.
Genome position (GRCh38, 1-based): chr16:2,071,939, G>T. VCF-style: chr16-2071939-G-T. GRCh37 (hg19) VCF-style: chr16-2121940-G-T.
Other names: c.753+5G>T (NM_001406693.1, NM_001406689.1, NM_001406690.1 and 6 more transcripts); c.2187+5G>T (NM_001406667.1, NM_001406668.1); c.1497+5G>T (NM_001406680.1, NM_001406683.1, NM_001406687.1 and 6 more transcripts); c.495+5G>T (NM_001406698.1); c.2097+5G>T (NM_001114382.3, NM_001406663.1, NM_001406664.1 and 6 more transcripts); c.2085+5G>T (NM_001406671.1, NM_001406673.1); c.1635+5G>T (NM_001406681.1); c.1986+5G>T (NM_001406670.1, NM_001318827.2, NM_001406678.1); and 3 more.
Identifiers: ClinVar variation 3462672 (VCV003462672.1).

ClinVar aggregate classification (germline): Uncertain significance (1 of 4 stars; one submission).

Conditions:
Hereditary cancer-predisposing syndrome. Also called: Tumor predisposition; Neoplastic Syndromes, Hereditary; Hereditary neoplastic syndrome; Hereditary Cancer Syndrome. Identifiers: Orphanet 140162, MedGen C0027672, MeSH D009386, MONDO:0015356.

Submission:

Ambry Genetics
Classification: Uncertain significance for Hereditary cancer-predisposing syndrome. Last evaluated: 2024-11-26. Review status: criteria provided, single submitter. Criteria: Ambry Variant Classification Scheme 2023. Collection method: clinical testing. Allele origin: germline.
Comment: The c.2097+5G>T intronic variant results from a G to T substitution 5 nucleotides after coding exon 18 in the TSC2 gene. This nucleotide position is highly conserved in available vertebrate species. In silico splice site analysis predicts that this alteration will not have any significant effect on splicing. Based on the available evidence, the clinical significance of this variant remains unclear.